The following is an entry in ClinVar:

ClinVar aggregate classification (germline): Uncertain significance. Review status: criteria provided, multiple submitters, no conflicts (2 of 4 stars). 2 submissions from 2 submitters: Uncertain significance (2). Last evaluated 2025-07-01.

Conditions:
Inborn genetic diseases. Identifiers: MedGen C0950123, MeSH D030342.
Mitochondrial complex V (ATP synthase) deficiency, nuclear type 2. Also called: Nuclear-Encoded ATPase Deficiency, TMEM70-Related; ENCEPHALOCARDIOMYOPATHY, MITOCHONDRIAL, NEONATAL, DUE TO ATP SYNTHASE DEFICIENCY; MITOCHONDRIAL COMPLEX V (ATP SYNTHASE) DEFICIENCY, TMEM70 TYPE. Identifiers: Orphanet 1194, MedGen C3279699, MONDO:0013546, OMIM 614052.

Allele frequency attached by ClinVar (database versions not stated): gnomAD exomes 0.00001; ExAC 0.00002; gnomAD 0.00005 and 0.00006; TOPMed 0.00007; ESP Exome Variant Server 0.00008.
gnomAD v4.1: 9 of 1,599,520 alleles (0.00056%); highest among the groups gnomAD compares: African/African-American, 0.011%; no homozygotes.

Submissions (2):

Ambry Genetics
Classification: Uncertain significance for Inborn genetic diseases. Last evaluated: 2025-07-01. Review status: criteria provided, single submitter. Criteria: Ambry Variant Classification Scheme 2023. Collection method: clinical testing. Allele origin: germline.

Labcorp Genetics (formerly Invitae), Labcorp
Classification: Uncertain significance for Mitochondrial complex V (ATP synthase) deficiency, nuclear type 2. Last evaluated: 2022-06-05. Review status: criteria provided, single submitter. Criteria: Invitae Variant Classification Sherloc (09022015). Collection method: clinical testing. Allele origin: germline.
Comment: This sequence change replaces cysteine, which is neutral and slightly polar, with arginine, which is basic and polar, at codon 24 of the TMEM70 protein (p.Cys24Arg). This variant is present in population databases (rs368936744, gnomAD 0.02%). This variant has not been reported in the literature in individuals affected with TMEM70-related conditions. ClinVar contains an entry for this variant (Variation ID: 1504121). Algorithms developed to predict the effect of missense changes on protein structure and function (SIFT, PolyPhen-2, Align-GVGD) all suggest that this variant is likely to be tolerated. In summary, the available evidence is currently insufficient to determine the role of this variant in disease. Therefore, it has been classified as a Variant of Uncertain Significance.

NM_017866.6(TMEM70):c.70T>C (p.Cys24Arg)

Gene: TMEM70 (transmembrane protein 70; plus strand). Cytogenetic location: 8q21.11.
Variant type: single nucleotide variant.
Coding change: c.70T>C on transcript NM_017866.6 (MANE Select); coding-DNA position 70, T replaced by C.
Protein change: p.Cys24Arg; replaces cysteine 24 with arginine.
Molecular consequence: missense variant. On other transcripts: non-coding transcript variant (1).
Genome position (GRCh38, 1-based): chr8:73,976,351, T>C. VCF-style: chr8-73976351-T-C. GRCh37 (hg19) VCF-style: chr8-74888586-T-C.
Other names: c.70T>C, p.Cys24Arg (NM_001040613.3); c.70T>C (NM_017866.5); short protein forms C24R.
Identifiers: ClinVar variation 1504121 (VCV001504121.6), dbSNP rs368936744, ClinGen allele CA4783938.